The following is an entry in ClinVar:

ClinVar aggregate classification (germline): Uncertain significance. Review status: criteria provided, multiple submitters, no conflicts (2 of 4 stars). 5 submissions from 5 submitters: Uncertain significance (5). Last evaluated 2025-11-25.

Conditions:
Brugada syndrome 4 (BRGDA4). Identifiers: Orphanet 130, MedGen C2678477, MONDO:0012743, OMIM 611876.
Cardiovascular phenotype. Identifiers: MedGen CN230736.

Allele frequency attached by ClinVar (database versions not stated): gnomAD exomes below 0.00001 and 0.00001; TOPMed below 0.00001.
gnomAD v4.1: 12 of 1,613,494 alleles (0.00074%); highest among the groups gnomAD compares: Non-Finnish European, 0.001%; no homozygotes.

Submissions (5):

Ambry Genetics
Classification: Uncertain significance for Cardiovascular phenotype. Last evaluated: 2025-11-25. Review status: criteria provided, single submitter. Criteria: Ambry Variant Classification Scheme 2023. Collection method: clinical testing. Allele origin: germline.
Comment: The p.D222A variant (also known as c.665A>C), located in coding exon 7 of the CACNB2 gene, results from an A to C substitution at nucleotide position 665. The aspartic acid at codon 222 is replaced by alanine, an amino acid with dissimilar properties. This amino acid position is highly conserved in available vertebrate species. In addition, this alteration is predicted to be deleterious by in silico analysis. The evidence for this gene-disease relationship is limited; therefore, the clinical significance of this alteration is unclear.

Labcorp Genetics (formerly Invitae), Labcorp
Classification: Uncertain significance for Brugada syndrome 4. Last evaluated: 2024-11-05. Review status: criteria provided, single submitter. Criteria: Invitae Variant Classification Sherloc (09022015). Collection method: clinical testing. Allele origin: germline.
Comment: This sequence change replaces aspartic acid, which is acidic and polar, with alanine, which is neutral and non-polar, at codon 222 of the CACNB2 protein (p.Asp222Ala). This variant is present in population databases (no rsID available, gnomAD 0.0009%). This variant has not been reported in the literature in individuals affected with CACNB2-related conditions. ClinVar contains an entry for this variant (Variation ID: 1022730). Invitae Evidence Modeling of protein sequence and biophysical properties (such as structural, functional, and spatial information, amino acid conservation, physicochemical variation, residue mobility, and thermodynamic stability) indicates that this missense variant is expected to disrupt CACNB2 protein function with a positive predictive value of 80%. In summary, the available evidence is currently insufficient to determine the role of this variant in disease. Therefore, it has been classified as a Variant of Uncertain Significance.

AiLife Diagnostics
Classification: Uncertain significance. Last evaluated: 2021-09-16. Review status: criteria provided, single submitter. Criteria: ACMG Guidelines, 2015. Collection method: clinical testing. Allele origin: germline. Affected: yes. Observed: 1 variant allele.

Fulgent Genetics
Classification: Uncertain significance for Brugada syndrome 4. Last evaluated: 2021-09-03. Review status: criteria provided, single submitter. Criteria: ACMG Guidelines, 2015. Collection method: clinical testing. Allele origin: unknown.

ARUP Laboratories, Molecular Genetics and Genomics, ARUP Laboratories
Classification: Uncertain significance for Brugada syndrome 4. Last evaluated: 2021-04-13. Review status: criteria provided, single submitter. Criteria: ARUP Molecular Germline Variant Investigation Process 2021. Collection method: clinical testing. Allele origin: germline.
Comment: The CACNB2 c.665A>C; p.Asp222Ala variant (rs889646922), to our knowledge, is not reported in the medical literature or gene-specific databases. This variant is found on a single chromosome in the Genome Aggregation Database (1/251076 alleles), indicating it is not a common polymorphism. The aspartate at codon 222 is highly conserved, and computational analyses predict that this variant is deleterious (REVEL: 0.715). However, due to limited information, the clinical significance of the p.Asp222Ala variant is uncertain at this time.

NM_201596.3(CACNB2):c.827A>C (p.Asp276Ala)

Gene: CACNB2 (calcium voltage-gated channel auxiliary subunit beta 2; plus strand). Cytogenetic location: 10p12.31.
Variant type: single nucleotide variant.
Coding change: c.827A>C on transcript NM_201596.3 (MANE Select); coding-DNA position 827, A replaced by C.
Protein change: p.Asp276Ala; replaces aspartic acid 276 with alanine.
Molecular consequence: missense variant.
Genome position (GRCh38, 1-based): chr10:18,518,358, A>C. VCF-style: chr10-18518358-A-C. GRCh37 (hg19) VCF-style: chr10-18807287-A-C.
Other names: c.662A>C, p.Asp221Ala (NM_000724.4); c.629A>C, p.Asp210Ala (NM_001167945.2); c.548A>C, p.Asp183Ala (NM_001330060.2); c.683A>C, p.Asp228Ala (NM_201570.3); c.743A>C, p.Asp248Ala (NM_201571.4); c.671A>C, p.Asp224Ala (NM_201572.4); c.665A>C, p.Asp222Ala (NM_201590.3); c.713A>C, p.Asp238Ala (NM_201593.3); and 1 more; short protein forms D183A, D210A, D221A, D222A, D224A, D228A, D238A, D248A.
Identifiers: ClinVar variation 1022730 (VCV001022730.18), dbSNP rs889646922, ClinGen allele CA203230590.
Genomic context (GRCh38, chr10:18,518,358, plus strand): 5'-GCCTGTGAAACGTCTAAAAGCCTCTCCTCTCTCTGCAGACAGAGCACACTCCTCCGTATG[A>C]TGTGGTACCTTCCATGCGACCAGTGGTCCTAGTGGGCCCTTCTCTGAAGGGCTACGAGGT-3'
Protein context (NP_963890.2, residues 266-286): FKKTEHTPPY[Asp276Ala]VVPSMRPVVL